The following is an entry in ClinVar:

ClinVar aggregate classification (germline): Uncertain significance. Review status: criteria provided, multiple submitters, no conflicts (2 of 4 stars). 2 submissions from 2 submitters: Uncertain significance (2). Last evaluated 2024-11-10.

Conditions:
Epileptic encephalopathy. Identifiers: MedGen C0543888, HP:0200134.

Allele frequency attached by ClinVar (database versions not stated): gnomAD 0.00001; TOPMed 0.00001; ExAC 0.00002.
gnomAD v4.1: 14 of 1,612,656 alleles (0.00087%); highest among the groups gnomAD compares: African/African-American, 0.004%; no homozygotes.

Submissions (2):

Ambry Genetics
Classification: Uncertain significance. Last evaluated: 2024-11-10. Review status: criteria provided, single submitter. Criteria: Ambry Variant Classification Scheme 2023. Collection method: clinical testing. Allele origin: germline.

Labcorp Genetics (formerly Invitae), Labcorp
Classification: Uncertain significance for Epileptic encephalopathy. Last evaluated: 2022-04-22. Review status: criteria provided, single submitter. Criteria: Invitae Variant Classification Sherloc (09022015). Collection method: clinical testing. Allele origin: germline.
Comment: In summary, the available evidence is currently insufficient to determine the role of this variant in disease. Therefore, it has been classified as a Variant of Uncertain Significance. Algorithms developed to predict the effect of missense changes on protein structure and function are either unavailable or do not agree on the potential impact of this missense change (SIFT: "Deleterious"; PolyPhen-2: "Probably Damaging"; Align-GVGD: "Class C0"). This variant has not been reported in the literature in individuals affected with FASN-related conditions. This variant is present in population databases (rs749615473, gnomAD 0.003%). This sequence change replaces valine, which is neutral and non-polar, with methionine, which is neutral and non-polar, at codon 1789 of the FASN protein (p.Val1789Met).

NM_004104.5(FASN):c.5365G>A (p.Val1789Met)

Gene: FASN (fatty acid synthase; minus strand). Cytogenetic location: 17q25.3.
Variant type: single nucleotide variant.
Coding change: c.5365G>A on transcript NM_004104.5 (MANE Select); coding-DNA position 5365, G replaced by A.
Protein change: p.Val1789Met; replaces valine 1789 with methionine.
Molecular consequence: missense variant.
Genome position (GRCh38, 1-based): chr17:82,083,402, C>T on the plus strand (G>A on the coding strand, the complement: FASN is on the minus strand). VCF-style: chr17-82083402-C-T. GRCh37 (hg19) VCF-style: chr17-80041278-C-T.
Other names: c.5365G>A (NM_004104.4); short protein forms V1789M.
Identifiers: ClinVar variation 2199588 (VCV002199588.5), dbSNP rs749615473, ClinGen allele CA8851711.